The following is an entry in ClinVar:

NM_133261.3(GIPC3):c.225+11C>T

Gene: GIPC3 (GIPC PDZ domain containing family member 3; plus strand). Cytogenetic location: 19p13.3.
Variant type: single nucleotide variant.
Coding change: c.225+11C>T on transcript NM_133261.3 (MANE Select); 11 bases into the intron after coding-DNA position 225, C replaced by T.
Molecular consequence: intron variant.
Genome position (GRCh38, 1-based): chr19:3,585,833, C>T. VCF-style: chr19-3585833-C-T. GRCh37 (hg19) VCF-style: chr19-3585831-C-T.
Identifiers: ClinVar variation 178346 (VCV000178346.16), dbSNP rs185551765, ClinGen allele CA182149.
Genomic context (GRCh38, chr19:3,585,833, plus strand): 5'-GCGAGCTGTACGCCAAGATCGCCGAAGCCTTCGGGATCGCGCCCACCGAGGTAAGGAGCC[C>T]GGACACCGGCGCCCAAGACCACCCGCCTGATGGGGTGAGGGGTAGGGAGCTTGGACCCTG-3'

ClinVar aggregate classification (germline): Benign/Likely benign. Review status: criteria provided, multiple submitters, no conflicts (2 of 4 stars). 4 submissions from 4 submitters: Benign (2); Likely benign (2). Last evaluated 2025-12-30.

Allele frequency attached by ClinVar (database versions not stated): gnomAD exomes 0.00063; TOPMed 0.00416; ExAC 0.00067; ESP Exome Variant Server 0.00259; 1000 Genomes Project 30x 0.00328; 1000 Genomes Project 0.00339; gnomAD 0.00351.

Submissions (4):

Labcorp Genetics (formerly Invitae), Labcorp
Classification: Benign. Last evaluated: 2025-12-30. Review status: criteria provided, single submitter. Criteria: Invitae Variant Classification Sherloc (09022015). Collection method: clinical testing. Allele origin: germline.

Blueprint Genetics
Classification: Likely benign. Last evaluated: 2024-11-25. Review status: criteria provided, single submitter. Criteria: ACMG Guidelines, 2015. Collection method: clinical testing. Allele origin: germline.

GeneDx
Classification: Likely benign. Last evaluated: 2018-10-19. Review status: criteria provided, single submitter. Criteria: GeneDx Variant Classification Process June 2021. Collection method: clinical testing. Allele origin: germline. Affected: yes.

Laboratory for Molecular Medicine, Mass General Brigham Personalized Medicine
Classification: Benign. Last evaluated: 2012-04-30. Review status: criteria provided, single submitter. Criteria: LMM Criteria. Collection method: clinical testing. Allele origin: germline. Observed: 4 variant alleles.
Comment: 225+11C>T in Intron 01 of GIPC3: This variant is not expected to have clinical s ignificance because it is not located within the conserved splice consensus sequ ence and has been identified in 0.7% (23/3144) of African American chromosomes f rom a broad population by the NHLBI Exome Sequencing Project.